The following is an entry in ClinVar:

NM_030665.4(RAI1):c.4462A>G (p.Ser1488Gly)

Gene: RAI1 (retinoic acid induced 1; plus strand). Cytogenetic location: 17p11.2.
Variant type: single nucleotide variant.
Coding change: c.4462A>G on transcript NM_030665.4 (MANE Select); coding-DNA position 4462, A replaced by G.
Protein change: p.Ser1488Gly; replaces serine 1488 with glycine.
Molecular consequence: missense variant.
Genome position (GRCh38, 1-based): chr17:17,797,410, A>G. VCF-style: chr17-17797410-A-G. GRCh37 (hg19) VCF-style: chr17-17700724-A-G.
Other names: c.4462A>G (NM_030665.3); short protein forms S1488G.
Identifiers: ClinVar variation 2435360 (VCV002435360.4), dbSNP rs1243143088, ClinGen allele CA398556644.
Genomic context (GRCh38, chr17:17,797,410, plus strand): 5'-TATCTTGGCCCGGCTCTGCTCCTGACTCCCCGAGACAGGGCCAGTGGCACACAAGGGGCC[A>G]GTGAGGACAACTCTGGTGGAGGAGGCAAGAAGCCAAAGATGGAGGAGCTGGGCCTGGCCT-3'
Protein context (NP_109590.3, residues 1478-1498): RDRASGTQGA[Ser1488Gly]EDNSGGGGKK

ClinVar aggregate classification (germline): Uncertain significance. Review status: criteria provided, multiple submitters, no conflicts (2 of 4 stars). 2 submissions from 2 submitters: Uncertain significance (2). Last evaluated 2025-05-23.

Conditions:
RAI1-related disorder. Also called: RAI1-related condition.
Smith-Magenis syndrome (SMS). Also called: CHROMOSOME 17p11.2 DELETION SYNDROME. Identifiers: Orphanet 819, MedGen C0795864, MONDO:0008434, OMIM 182290.

gnomAD v4.1: 3 of 1,612,926 alleles (0.00019%); highest among the groups gnomAD compares: East Asian, 0.0045%; no homozygotes.

Submissions (2):

PreventionGenetics, part of Exact Sciences
Classification: Uncertain significance for RAI1-related condition. Last evaluated: 2025-05-23. Review status: criteria provided, single submitter. Criteria: ACMG Guidelines, 2015. Collection method: clinical testing. Allele origin: germline.
Comment: The RAI1 c.4462A>G variant is predicted to result in the amino acid substitution p.Ser1488Gly. To our knowledge, this variant has not been reported in the literature. This variant is reported in 0.0054% of alleles in individuals of East Asian descent in gnomAD. At this time, the clinical significance of this variant is uncertain due to the absence of conclusive functional and genetic evidence.

Revvity Omics, Revvity
Classification: Uncertain significance for Smith-Magenis syndrome. Last evaluated: 2021-11-22. Review status: criteria provided, single submitter. Criteria: ACMG Guidelines, 2015. Collection method: clinical testing. Allele origin: germline.